The following is an entry in ClinVar:

ClinVar aggregate classification (germline): Pathogenic. Review status: criteria provided, single submitter (1 of 4 stars). 2 submissions from 2 submitters: Pathogenic (1). 1 of the submissions does not count toward it. Last evaluated 2020-03-24.

Conditions:
Phenylketonuria (PKU). Also called: Phenylketonuria (PKU); FOLLING DISEASE; OLIGOPHRENIA PHENYLPYRUVICA; Phenylketonurias. Identifiers: Orphanet 716, MedGen C0031485, MONDO:0009861, OMIM 261600. Disease mechanism: loss of function.

Submissions (2):

Labcorp Genetics (formerly Invitae), Labcorp
Classification: Pathogenic for Phenylketonuria. Last evaluated: 2020-03-24. Review status: criteria provided, single submitter. Criteria: Invitae Variant Classification Sherloc (09022015). Collection method: clinical testing. Allele origin: germline.
Comment: For these reasons, this variant has been classified as Pathogenic. Loss-of-function variants in PAH are known to be pathogenic (PMID: 1301187, 9634518). This variant has not been reported in the literature in individuals with PAH-related conditions. ClinVar contains an entry for this variant (Variation ID: 102739). This variant is not present in population databases (ExAC no frequency). This sequence change creates a premature translational stop signal (p.Gly188Alafs*7) in the PAH gene. It is expected to result in an absent or disrupted protein product.

DeBelle Laboratory for Biochemical Genetics, MUHC/MCH RESEARCH INSTITUTE
No classification provided. Review status: no classification provided. Collection method: not provided. Allele origin: not provided. Not counted in ClinVar's aggregate classification.

Literature cited by the submitters: PubMed 1301187 (cited by Labcorp Genetics (formerly Invitae), Labcorp); PubMed 9634518 (cited by Labcorp Genetics (formerly Invitae), Labcorp).

NM_000277.3(PAH):c.563del (p.Gly188fs)

Gene: PAH (phenylalanine hydroxylase; minus strand). Cytogenetic location: 12q23.2.
Variant type: Deletion.
Coding change: c.563del on transcript NM_000277.3 (MANE Select); coding-DNA position 563, one base deleted (G; older notation c.563delG).
Protein change: p.Gly188fs; shifts the reading frame from glycine 188.
Molecular consequence: frameshift variant.
Genome position (GRCh38, 1-based): chr12:102,855,279, C deleted on the plus strand (G on the coding strand, the reverse complement: PAH is on the minus strand); the first of 4 consecutive C bases (chr12:102,855,279-102,855,282); deleting any one gives the same sequence. VCF-style (leftmost placement, unchanged base first): chr12-102855278-GC-G. GRCh37 (hg19) VCF-style: chr12-103249056-GC-G.
Other names: c.563del, p.Gly188fs (NM_001354304.2); short protein forms G188fs.
Identifiers: ClinVar variation 102739 (VCV000102739.7), dbSNP rs62507260, ClinGen allele CA229630.